The following is an entry in ClinVar:

NM_016180.5(SLC45A2):c.1347C>G (p.Tyr449Ter)

Gene: SLC45A2 (solute carrier family 45 member 2; minus strand). Cytogenetic location: 5p13.2.
Variant type: single nucleotide variant.
Coding change: c.1347C>G on transcript NM_016180.5 (MANE Select); coding-DNA position 1347, C replaced by G.
Protein change: p.Tyr449Ter; replaces tyrosine 449 with a stop codon.
Molecular consequence: nonsense.
Genome position (GRCh38, 1-based): chr5:33,947,184, G>C on the plus strand (C>G on the coding strand, the complement: SLC45A2 is on the minus strand). VCF-style: chr5-33947184-G-C. GRCh37 (hg19) VCF-style: chr5-33947289-G-C.
Other names: c.1347C>G, p.Tyr449Ter (NM_001012509.4); short protein forms Y449*.
Identifiers: ClinVar variation 2706457 (VCV002706457.3), dbSNP rs2478774638, ClinGen allele CA359388116.

ClinVar aggregate classification (germline): Pathogenic (1 of 4 stars; one submission).

Submission:

Labcorp Genetics (formerly Invitae), Labcorp
Classification: Pathogenic. Last evaluated: 2023-12-30. Review status: criteria provided, single submitter. Criteria: Invitae Variant Classification Sherloc (09022015). Collection method: clinical testing. Allele origin: germline.
Comment: This sequence change creates a premature translational stop signal (p.Tyr449*) in the SLC45A2 gene. While this is not anticipated to result in nonsense mediated decay, it is expected to disrupt the last 82 amino acid(s) of the SLC45A2 protein. This variant is not present in population databases (gnomAD no frequency). This variant has not been reported in the literature in individuals affected with SLC45A2-related conditions. Algorithms developed to predict the effect of sequence changes on RNA splicing suggest that this variant may disrupt the consensus splice site. This variant disrupts a region of the SLC45A2 protein in which other variant(s) (p.Cys519Arg) have been determined to be pathogenic (Invitae). This suggests that this is a clinically significant region of the protein, and that variants that disrupt it are likely to be disease-causing. For these reasons, this variant has been classified as Pathogenic.